The following is an entry in ClinVar:

ClinVar aggregate classification (germline): Likely benign. Review status: criteria provided, single submitter (1 of 4 stars). 2 submissions from 2 submitters: Likely benign (1). 1 of the submissions does not count toward it. Last evaluated 2025-08-03.

Conditions:
Cognitive impairment - coarse facies - heart defects - obesity - pulmonary involvement - short stature - skeletal dysplasia syndrome. Also called: COGNITIVE IMPAIRMENT, COARSE FACIES, HEART DEFECTS, OBESITY, PULMONARY INVOLVEMENT, SHORT STATURE, AND SKELETAL DYSPLASIA; Chops syndrome; AFF4-Related CHOPS Syndrome. Identifiers: Orphanet 444077, MedGen C4085597, MONDO:0014609, OMIM 616368.
AFF4-related disorder. Also called: AFF4-related condition.

Allele frequency attached by ClinVar (database versions not stated): gnomAD exomes 0.00005 and 0.00016; ExAC 0.00006; ESP Exome Variant Server 0.00008; TOPMed 0.00009; gnomAD 0.00010 and 0.00011.
gnomAD v4.1: 243 of 1,613,956 alleles (0.015%); highest among the groups gnomAD compares: Non-Finnish European, 0.019%; no homozygotes.

Submissions (2):

Labcorp Genetics (formerly Invitae), Labcorp
Classification: Likely benign for Cognitive impairment - coarse facies - heart defects - obesity - pulmonary involvement - short stature - skeletal dysplasia syndrome. Last evaluated: 2025-08-03. Review status: criteria provided, single submitter. Criteria: Invitae Variant Classification Sherloc (09022015). Collection method: clinical testing. Allele origin: germline.

PreventionGenetics, part of Exact Sciences
Classification: Likely benign for AFF4-related condition. Last evaluated: 2021-08-19. Review status: no assertion criteria provided. Collection method: clinical testing. Allele origin: germline. Not counted in ClinVar's aggregate classification.
Comment: This variant is classified as likely benign based on ACMG/AMP sequence variant interpretation guidelines (Richards et al. 2015 PMID: 25741868, with internal and published modifications).

NM_014423.4(AFF4):c.3261G>A (p.Gln1087=)

Gene: AFF4 (ALF transcription elongation factor 4; minus strand). Cytogenetic location: 5q31.1.
Variant type: single nucleotide variant.
Coding change: c.3261G>A on transcript NM_014423.4 (MANE Select); coding-DNA position 3261, G replaced by A.
Protein change: p.Gln1087=; no amino-acid change (glutamine 1087 retained).
Molecular consequence: synonymous variant.
Genome position (GRCh38, 1-based): chr5:132,883,443, C>T on the plus strand (G>A on the coding strand, the complement: AFF4 is on the minus strand). VCF-style: chr5-132883443-C-T. GRCh37 (hg19) VCF-style: chr5-132219135-C-T.
Identifiers: ClinVar variation 735255 (VCV000735255.11), dbSNP rs369587813, ClinGen allele CA3408704.
Genomic context (GRCh38, chr5:132,883,443, plus strand): 5'-GGTGGCATAGAGGAAGTTGGATGTGACCTGAACATAGCTGGCTGCCATCTGGTGGATCTT[C>T]TGTGGAATGGTCACTGAAGAACCACTTGCAGAAGCACTACTGGCCCCAGATGAATAATTT-3'
Protein context (NP_055238.1, residues 1077-1097): SASGSSVTIP[Gln1087=]KIHQMAASYV